The following is an entry in ClinVar:

NM_001035.3(RYR2):c.3947A>G (p.Lys1316Arg)

Genes: RYR2 (ryanodine receptor 2; plus strand), LOC126806067 (BRD4-independent group 4 enhancer GRCh37_chr1:237753258-237754457; plus strand). Cytogenetic location: 1q43.
Variant type: single nucleotide variant.
Coding change: c.3947A>G on transcript NM_001035.3 (MANE Select); coding-DNA position 3947, A replaced by G.
Protein change: p.Lys1316Arg; replaces lysine 1316 with arginine.
Molecular consequence: missense variant.
Genome position (GRCh38, 1-based): chr1:237,590,779, A>G. VCF-style: chr1-237590779-A-G. GRCh37 (hg19) VCF-style: chr1-237754079-A-G.
Other names: short protein forms K1316R.
Identifiers: ClinVar variation 3074639 (VCV003074639.1), dbSNP rs2546614769, ClinGen allele CA345397418.

ClinVar aggregate classification (germline): Uncertain significance (1 of 4 stars; one submission).

Conditions:
Catecholaminergic polymorphic ventricular tachycardia (CVPT). Also called: Catecholamine-induced polymorphic ventricular tachycardia. Identifiers: Orphanet 3286, MedGen C5574922, MONDO:0017990.

Allele frequency attached by ClinVar (database versions not stated): gnomAD exomes 0.00001.
gnomAD v4.1: 12 of 1,613,964 alleles (0.00074%); highest among the groups gnomAD compares: Non-Finnish European, 0.00093%; no homozygotes.

Submission:

All of Us Research Program, National Institutes of Health
Classification: Uncertain significance for Catecholaminergic polymorphic ventricular tachycardia. Last evaluated: 2023-11-20. Review status: criteria provided, single submitter. Criteria: ACMG Guidelines, 2015. Collection method: clinical testing. Allele origin: germline. Inheritance: Autosomal dominant inheritance. Observed: 1 variant allele, 1 heterozygote.
Comment: This missense variant replaces lysine with arginine at codon 1316 of the RYR2 protein. Computational prediction suggests that this variant may not impact protein structure and function (internally defined REVEL score threshold <= 0.5, PMID: 27666373). To our knowledge, functional studies have not been reported for this variant. This variant has not been reported in individuals affected with RYR2-related disorders in the literature. This variant has not been identified in the general population by the Genome Aggregation Database (gnomAD). The available evidence is insufficient to determine the role of this variant in disease conclusively. Therefore, this variant is classified as a Variant of Uncertain Significance.

This study involves interpretation of variants in research participants for the purpose of population health screening. Participant phenotype was not available at the time of variant classification. Additional details can be found in publication PMID: 35346344, PMCID: PMC8962531